The following is an entry in ClinVar:

NM_012452.3(TNFRSF13B):c.61+10C>T

Gene: TNFRSF13B (TNF receptor superfamily member 13B; minus strand). Cytogenetic location: 17p11.2.
Variant type: single nucleotide variant.
Coding change: c.61+10C>T on transcript NM_012452.3 (MANE Select); 10 bases into the intron after coding-DNA position 61, C replaced by T.
Molecular consequence: intron variant.
Genome position (GRCh38, 1-based): chr17:16,972,005, G>A on the plus strand (C>T on the coding strand, the complement: TNFRSF13B is on the minus strand). VCF-style: chr17-16972005-G-A. GRCh37 (hg19) VCF-style: chr17-16875319-G-A.
Identifiers: ClinVar variation 322031 (VCV000322031.26), dbSNP rs148297590, ClinGen allele CA8414150.

ClinVar aggregate classification (germline): Benign/Likely benign. Review status: criteria provided, multiple submitters, no conflicts (2 of 4 stars). 4 submissions from 4 submitters: Benign (3); Likely benign (1). Last evaluated 2026-01-25.

Conditions:
Immunodeficiency, common variable, 2 (CVID2). Also called: HYPOGAMMAGLOBULINEMIA DUE TO TACI DEFICIENCY; ANTIBODY DEFICIENCY DUE TO TACI DEFECT. Identifiers: Orphanet 1572, MedGen C3150354, MONDO:0009413, OMIM 240500.

Allele frequency attached by ClinVar (database versions not stated): gnomAD exomes 0.00172; ExAC 0.00209; 1000 Genomes Project 30x 0.00578; gnomAD 0.00578 and 0.00621; 1000 Genomes Project 0.00619; TOPMed 0.00675; ESP Exome Variant Server 0.00761.

Submissions (4):

Labcorp Genetics (formerly Invitae), Labcorp
Classification: Benign for Immunodeficiency, common variable, 2. Last evaluated: 2026-01-25. Review status: criteria provided, single submitter. Criteria: Invitae Variant Classification Sherloc (09022015). Collection method: clinical testing. Allele origin: germline.

ARUP Laboratories, Molecular Genetics and Genomics, ARUP Laboratories
Classification: Likely benign. Last evaluated: 2024-12-18. Review status: criteria provided, single submitter. Criteria: ARUP Molecular Germline Variant Investigation Process 2024. Collection method: clinical testing. Allele origin: germline.

Genetic Services Laboratory, University of Chicago
Classification: Benign. Last evaluated: 2020-10-01. Review status: criteria provided, single submitter. Criteria: ACMG Guidelines, 2015. Collection method: clinical testing. Allele origin: germline. Affected: no.

Women's Health and Genetics/Laboratory Corporation of America, LabCorp
Classification: Benign. Last evaluated: 2017-09-14. Review status: criteria provided, single submitter. Criteria: LabCorp Variant Classification Summary - May 2015. Collection method: clinical testing. Allele origin: germline.
Comment: Variant summary: The TNFRSF13B c.61+10C>T variant causes a missense change involving the alteration of a non-conserved intronic nucleotide. One in silico tool predicts a benign outcome for this variant. 4/5 splice prediction tools predict no significant impact on normal splicing. However, these predictions have yet to be confirmed by functional studies. The variant was found in the control population dataset of ExAC in 253/121068 control chromosomes (4 homozygotes), predominantly observed in the African subpopulation at a frequency of 0.019068 (198/10384). This frequency is about 6674 times the estimated maximal expected allele frequency of a pathogenic TNFRSF13B variant (0.0000029), suggesting this is a benign polymorphism found primarily in the populations of African origin. In addition, one clinical diagnostic laboratory classified this variant as likely benign. The variant of interest has not, to our knowledge, been reported in affected individuals via publications and/or reputable databases/clinical diagnostic laboratories; nor evaluated for functional impact by in vivo/vitro studies. Taken together, this variant is classified as benign.